The following is an entry in ClinVar:

ClinVar aggregate classification (germline): Uncertain significance (1 of 4 stars; one submission).

Conditions:
Familial cold autoinflammatory syndrome 2 (FCAS2). Identifiers: Orphanet 247868, MedGen C2673198, MONDO:0012724, OMIM 611762.

Submission:

Labcorp Genetics (formerly Invitae), Labcorp
Classification: Uncertain significance for Familial cold autoinflammatory syndrome 2. Last evaluated: 2022-02-04. Review status: criteria provided, single submitter. Criteria: Invitae Variant Classification Sherloc (09022015). Collection method: clinical testing. Allele origin: germline.
Comment: This sequence change creates a premature translational stop signal (p.Leu461Phefs*26) in the NLRP12 gene. It is expected to result in an absent or disrupted protein product. However, the current clinical and genetic evidence is not sufficient to establish whether loss-of-function variants in NLRP12 cause disease. This variant is not present in population databases (gnomAD no frequency). This variant has not been reported in the literature in individuals affected with NLRP12-related conditions. In summary, the available evidence is currently insufficient to determine the role of this variant in disease. Therefore, it has been classified as a Variant of Uncertain Significance.

NM_144687.4(NLRP12):c.1383del (p.Leu461fs)

Gene: NLRP12 (NLR family pyrin domain containing 12; minus strand). Cytogenetic location: 19q13.42.
Variant type: Deletion.
Coding change: c.1383del on transcript NM_144687.4 (MANE Select); coding-DNA position 1383, one base deleted (G; older notation c.1383delG).
Protein change: p.Leu461fs; shifts the reading frame from leucine 461.
Molecular consequence: frameshift variant.
Genome position (GRCh38, 1-based): chr19:53,810,276, C deleted on the plus strand (G on the coding strand, the reverse complement: NLRP12 is on the minus strand). VCF-style (leftmost placement, unchanged base first): chr19-53810275-AC-A. GRCh37 (hg19) VCF-style: chr19-54313529-AC-A.
Other names: c.1383del, p.Leu461fs (NM_001277126.2, NM_001277129.1); short protein forms L461fs.
Identifiers: ClinVar variation 2092702 (VCV002092702.4), dbSNP rs2514338576, ClinGen allele CA2580097775.